The following is an entry in ClinVar:

NM_000535.7(PMS2):c.914T>G (p.Leu305Arg)

Gene: PMS2 (PMS1 homolog 2, mismatch repair system component; minus strand). Cytogenetic location: 7p22.1.
Variant type: single nucleotide variant.
Coding change: c.914T>G on transcript NM_000535.7 (MANE Select); coding-DNA position 914, T replaced by G.
Protein change: p.Leu305Arg; replaces leucine 305 with arginine.
Molecular consequence: missense variant. On other transcripts: 5 prime UTR variant (2), non-coding transcript variant (1).
Genome position (GRCh38, 1-based): chr7:5,992,047, A>C on the plus strand (T>G on the coding strand, the complement: PMS2 is on the minus strand). VCF-style: chr7-5992047-A-C. GRCh37 (hg19) VCF-style: chr7-6031678-A-C.
Other names: c.509T>G, p.Leu170Arg (NM_001322003.2, NM_001322004.2, NM_001322005.2 and 2 more transcripts); c.914T>G, p.Leu305Arg (NM_001322006.2, NM_001322014.2); c.596T>G, p.Leu199Arg (NM_001322007.2, NM_001322008.2); c.-20T>G (NM_001322011.2, NM_001322012.2); c.341T>G, p.Leu114Arg (NM_001322013.2); c.605T>G, p.Leu202Arg (NM_001322015.2); short protein forms L114R, L199R, L202R, L170R, L305R.
Identifiers: ClinVar variation 646773 (VCV000646773.10), dbSNP rs1583345706, ClinGen allele CA366743202.

ClinVar aggregate classification (germline): Uncertain significance (1 of 4 stars; one submission).

Conditions:
Hereditary nonpolyposis colorectal neoplasms. Identifiers: MedGen C0009405, MeSH D003123.

Submission:

Labcorp Genetics (formerly Invitae), Labcorp
Classification: Uncertain significance for Hereditary nonpolyposis colorectal neoplasms. Last evaluated: 2019-10-21. Review status: criteria provided, single submitter. Criteria: Invitae Variant Classification Sherloc (09022015). Collection method: clinical testing. Allele origin: germline.
Comment: This variant is not present in population databases (ExAC no frequency). In summary, the available evidence is currently insufficient to determine the role of this variant in disease. Therefore, it has been classified as a Variant of Uncertain Significance. Algorithms developed to predict the effect of missense changes on protein structure and function (SIFT, PolyPhen-2, Align-GVGD) all suggest that this variant is likely to be disruptive, but these predictions have not been confirmed by published functional studies and their clinical significance is uncertain. This variant has not been reported in the literature in individuals with PMS2-related disease. This sequence change replaces leucine with arginine at codon 305 of the PMS2 protein (p.Leu305Arg). The leucine residue is moderately conserved and there is a moderate physicochemical difference between leucine and arginine.